The following is an entry in ClinVar:

ClinVar aggregate classification (germline): Benign/Likely benign. Review status: criteria provided, multiple submitters, no conflicts (2 of 4 stars). 13 submissions from 13 submitters: Benign (1); Likely benign (9). 3 of the submissions do not count toward it. Last evaluated 2026-05-20.

Conditions:
Neuropathy, hereditary sensory and autonomic, type 1A (HSAN1A). Also called: HSAN IA; HSN IA; NEUROPATHY, HEREDITARY SENSORY RADICULAR, AUTOSOMAL DOMINANT, TYPE 1A; SPTLC1-Related Hereditary Sensory Neuropathy; NEUROPATHY, HEREDITARY SENSORY AND AUTONOMIC, TYPE IA. Identifiers: MedGen C5235211, MONDO:0008086, OMIM 162400.
SPTLC1-related disorder. Also called: SPTLC1-related condition.
Charcot-Marie-Tooth disease. Also called: Charcot-Marie-Tooth Neuropathy; Charcot-Marie-Tooth Hereditary Neuropathy. Identifiers: Orphanet 166, MedGen C0007959, MONDO:0015626.
Inborn genetic diseases. Identifiers: MedGen C0950123, MeSH D030342.
Hereditary sensory and autonomic neuropathy type 1 (HSAN1). Also called: HSN Type I; HSAN 1; Hereditary Sensory Neuropathy Type I. Identifiers: Orphanet 36386, MedGen C0020071, MONDO:0018213.

Allele frequency attached by ClinVar (database versions not stated): TOPMed 0.00035; 1000 Genomes Project 0.00040; 1000 Genomes Project 30x 0.00062.
gnomAD v4.1: 898 of 1,613,624 alleles (0.056%); highest among the groups gnomAD compares: Middle Eastern, 0.099%; no homozygotes.

Submissions (13):

PreventionGenetics, part of Exact Sciences
Classification: Likely benign for SPTLC1-related condition. Last evaluated: 2026-05-20. Review status: criteria provided, single submitter. Criteria: ACMG Guidelines, 2015. Collection method: clinical testing. Allele origin: germline.
Comment: This variant is classified as likely benign based on ACMG/AMP sequence variant interpretation guidelines (Richards et al. 2015 PMID: 25741868, with internal and published modifications).

Labcorp Genetics (formerly Invitae), Labcorp
Classification: Likely benign for Hereditary sensory and autonomic neuropathy type 1. Last evaluated: 2026-01-19. Review status: criteria provided, single submitter. Criteria: Invitae Variant Classification Sherloc (09022015). Collection method: clinical testing. Allele origin: germline.

Women's Health and Genetics/Laboratory Corporation of America, LabCorp
Classification: Likely benign. Last evaluated: 2025-05-14. Review status: criteria provided, single submitter. Criteria: LabCorp Variant Classification Summary - May 2015. Collection method: clinical testing. Allele origin: germline.
Comment: Variant summary: SPTLC1 c.1160G>C (p.Gly387Ala) results in a non-conservative amino acid change in the encoded protein sequence. Algorithms developed to predict the effect of missense changes on protein structure and function all suggest that this variant is likely to be disruptive. The variant allele was found at a frequency of 0.00043 in 251488 control chromosomes, predominantly at a frequency of 0.00072 within the Latino subpopulation in the gnomAD database. The observed variant frequency within Latino control individuals in the gnomAD database is approximately 720 fold of the estimated maximal expected allele frequency for a pathogenic variant in SPTLC1 causing Neuropathy, hereditary sensory and autonomic, type 1A phenotype (1e-06). To our knowledge, no occurrence of c.1160G>C in individuals affected with Neuropathy, hereditary sensory and autonomic, type 1A and no experimental evidence demonstrating its impact on protein function have been reported. ClinVar contains an entry for this variant (Variation ID: 4802). Based on the evidence outlined above, the variant was classified as likely benign.

Blueprint Genetics
Classification: Likely benign. Last evaluated: 2024-11-26. Review status: criteria provided, single submitter. Criteria: ACMG Guidelines, 2015. Collection method: clinical testing. Allele origin: germline.

CeGaT Center for Human Genetics Tuebingen
Classification: Likely benign. Last evaluated: 2023-06-01. Review status: criteria provided, single submitter. Criteria: CeGaT Center For Human Genetics Tuebingen Variant Classification Criteria Version 2. Collection method: clinical testing. Allele origin: germline. Affected: yes. Observed: 2 variant alleles.
Comment: SPTLC1: BS3:Supporting, BS2

ARUP Laboratories, Molecular Genetics and Genomics, ARUP Laboratories
Classification: Likely benign for Neuropathy, hereditary sensory and autonomic, type 1A. Last evaluated: 2020-02-03. Review status: criteria provided, single submitter. Criteria: ARUP Molecular Germline Variant Investigation Process. Collection method: clinical testing. Allele origin: germline.

GeneDx
Classification: Benign. Last evaluated: 2019-12-06. Review status: criteria provided, single submitter. Criteria: GeneDx Variant Classification Process June 2021. Collection method: clinical testing. Allele origin: germline. Affected: yes.
Comment: This variant is associated with the following publications: (PMID: 19132419, 21618344, 15037712, 19651702)

Ambry Genetics
Classification: Likely benign for Inborn genetic diseases. Last evaluated: 2019-11-18. Review status: criteria provided, single submitter. Criteria: Ambry Variant Classification Scheme 2023. Collection method: clinical testing. Allele origin: germline.

Mendelics
Classification: Likely benign for Neuropathy, hereditary sensory and autonomic, type 1A. Last evaluated: 2019-05-28. Review status: criteria provided, single submitter. Criteria: Mendelics Assertion Criteria 2017. Collection method: clinical testing. Allele origin: unknown.

Molecular Genetics Laboratory, London Health Sciences Centre
Classification: Likely benign for Charcot-Marie-Tooth disease. Review status: criteria provided, single submitter. Criteria: ACMG Guidelines, 2015. Collection method: clinical testing. Allele origin: germline. Affected: yes.

OMIM
Classification: Uncertain significance for RECLASSIFIED - VARIANT OF UNKNOWN SIGNIFICANCE. Last evaluated: 2009-04-01. Review status: no assertion criteria provided. Collection method: literature only. Allele origin: germline. Not counted in ClinVar's aggregate classification.

GeneReviews
No classification provided. Condition: Neuropathy, hereditary sensory and autonomic, type 1A. Review status: no classification provided. Collection method: literature only. Allele origin: unknown. Not counted in ClinVar's aggregate classification.

Inherited Neuropathy Consortium
Classification: Uncertain significance for Charcot-Marie-Tooth disease. Review status: no assertion criteria provided. Collection method: literature only. Allele origin: germline. Affected: yes. Not counted in ClinVar's aggregate classification.

Literature cited by the submitters: PubMed 15037712 (cited by OMIM and Inherited Neuropathy Consortium); PubMed 19132419 (cited by OMIM); PubMed 26681808 (cited by OMIM); PubMed 13646503 (cited by OMIM); PubMed 20301564 (cited by GeneReviews); NCBI Bookshelf NBK1390 (cited by GeneReviews).

NM_006415.4(SPTLC1):c.1160G>C (p.Gly387Ala)

Gene: SPTLC1 (serine palmitoyltransferase long chain base subunit 1; minus strand). Cytogenetic location: 9q22.31.
Variant type: single nucleotide variant.
Coding change: c.1160G>C on transcript NM_006415.4 (MANE Select); coding-DNA position 1160, G replaced by C.
Protein change: p.Gly387Ala; replaces glycine 387 with alanine.
Molecular consequence: missense variant.
Genome position (GRCh38, 1-based): chr9:92,038,342, C>G on the plus strand (G>C on the coding strand, the complement: SPTLC1 is on the minus strand). VCF-style: chr9-92038342-C-G. GRCh37 (hg19) VCF-style: chr9-94800624-C-G.
Other names: c.1160G>C, p.Gly387Ala (NM_001281303.2); c.794G>C, p.Gly265Ala (NM_001368272.1); c.695G>C, p.Gly232Ala (NM_001368273.1); short protein forms G387A, G265A, G232A.
Identifiers: ClinVar variation 4802 (VCV000004802.98), dbSNP rs119482084, ClinGen allele CA340290.